The following is an entry in ClinVar:

NM_000077.5(CDKN2A):c.150+187A>T

Gene: CDKN2A (cyclin dependent kinase inhibitor 2A; minus strand). Cytogenetic location: 9p21.3.
Variant type: single nucleotide variant.
Coding change: c.150+187A>T on transcript NM_000077.5 (MANE Select); 187 bases into the intron after coding-DNA position 150, A replaced by T.
Molecular consequence: intron variant. On other transcripts: nonsense (1).
Genome position (GRCh38, 1-based): chr9:21,974,491, T>A on the plus strand (A>T on the coding strand, the complement: CDKN2A is on the minus strand). VCF-style: chr9-21974491-T-A. GRCh37 (hg19) VCF-style: chr9-21974490-T-A.
Other names: c.337A>T, p.Lys113Ter (NM_058197.5); c.-3-3283A>T (NM_001363763.2); c.194-3283A>T (NM_058195.4); c.150+187A>T (NM_001195132.2); short protein forms K113*.
Identifiers: ClinVar variation 3067706 (VCV003067706.21), dbSNP rs938648422, ClinGen allele CA2689599167.

ClinVar aggregate classification (germline): Uncertain significance (1 of 4 stars; one submission).

gnomAD v4.1: 2 of 1,612,992 alleles (0.00012%); highest among the groups gnomAD compares: Non-Finnish European, 0.00017%; no homozygotes.

Submission:

CeGaT Center for Human Genetics Tuebingen
Classification: Uncertain significance. Last evaluated: 2024-03-01. Review status: criteria provided, single submitter. Criteria: CeGaT Center For Human Genetics Tuebingen Variant Classification Criteria Version 2. Collection method: clinical testing. Allele origin: germline. Affected: yes. Observed: 1 variant allele.
Comment: CDKN2A: PM2, PVS1:Moderate